The following is an entry in ClinVar:

NM_005677.4(COLQ):c.1232A>G (p.His411Arg)

Gene: COLQ (collagen like tail subunit of asymmetric acetylcholinesterase; minus strand). Cytogenetic location: 3p25.1.
Variant type: single nucleotide variant.
Coding change: c.1232A>G on transcript NM_005677.4 (MANE Select); coding-DNA position 1232, A replaced by G.
Protein change: p.His411Arg; replaces histidine 411 with arginine.
Molecular consequence: missense variant.
Genome position (GRCh38, 1-based): chr3:15,453,895, T>C on the plus strand (A>G on the coding strand, the complement: COLQ is on the minus strand). VCF-style: chr3-15453895-T-C. GRCh37 (hg19) VCF-style: chr3-15495402-T-C.
Other names: c.1202A>G, p.His401Arg (NM_080538.2); c.1130A>G, p.His377Arg (NM_080539.4); short protein forms H377R, H411R, H401R.
Identifiers: ClinVar variation 1910728 (VCV001910728.5), dbSNP rs2470813553, ClinGen allele CA351595663.

ClinVar aggregate classification (germline): Uncertain significance (1 of 4 stars; one submission).

Conditions:
Congenital myasthenic syndrome 5. Identifiers: Orphanet 590, MedGen C1864233, MONDO:0011281, OMIM 603034.

gnomAD v4.1: 3 of 1,611,742 alleles (0.00019%); highest among the groups gnomAD compares: Non-Finnish European, 0.00025%; no homozygotes.

Submission:

Labcorp Genetics (formerly Invitae), Labcorp
Classification: Uncertain significance for Congenital myasthenic syndrome 5. Last evaluated: 2022-09-13. Review status: criteria provided, single submitter. Criteria: Invitae Variant Classification Sherloc (09022015). Collection method: clinical testing. Allele origin: germline.
Comment: This variant has not been reported in the literature in individuals affected with COLQ-related conditions. Advanced modeling of protein sequence and biophysical properties (such as structural, functional, and spatial information, amino acid conservation, physicochemical variation, residue mobility, and thermodynamic stability) performed at Invitae indicates that this missense variant is not expected to disrupt COLQ protein function. In summary, the available evidence is currently insufficient to determine the role of this variant in disease. Therefore, it has been classified as a Variant of Uncertain Significance. This variant is not present in population databases (gnomAD no frequency). This sequence change replaces histidine, which is basic and polar, with arginine, which is basic and polar, at codon 411 of the COLQ protein (p.His411Arg).